The following is an entry in ClinVar:

ClinVar aggregate classification (germline): Uncertain significance (1 of 4 stars; one submission).

Submission:

Labcorp Genetics (formerly Invitae), Labcorp
Classification: Uncertain significance. Last evaluated: 2021-09-07. Review status: criteria provided, single submitter. Criteria: Invitae Variant Classification Sherloc (09022015). Collection method: clinical testing. Allele origin: germline.
Comment: This sequence change replaces methionine with lysine at codon 226 of the CACNA2D4 protein (p.Met226Lys). The methionine residue is highly conserved and there is a moderate physicochemical difference between methionine and lysine. This variant is not present in population databases (ExAC no frequency). This variant has not been reported in the literature in individuals affected with CACNA2D4-related conditions. Algorithms developed to predict the effect of missense changes on protein structure and function (SIFT, PolyPhen-2, Align-GVGD) all suggest that this variant is likely to be disruptive. In summary, the available evidence is currently insufficient to determine the role of this variant in disease. Therefore, it has been classified as a Variant of Uncertain Significance.

NM_172364.5(CACNA2D4):c.677T>A (p.Met226Lys)

Gene: CACNA2D4 (calcium voltage-gated channel auxiliary subunit alpha2delta 4; minus strand). Cytogenetic location: 12p13.33.
Variant type: single nucleotide variant.
Coding change: c.677T>A on transcript NM_172364.5 (MANE Select); coding-DNA position 677, T replaced by A.
Protein change: p.Met226Lys; replaces methionine 226 with lysine.
Molecular consequence: missense variant.
Genome position (GRCh38, 1-based): chr12:1,907,544, A>T on the plus strand (T>A on the coding strand, the complement: CACNA2D4 is on the minus strand). VCF-style: chr12-1907544-A-T. GRCh37 (hg19) VCF-style: chr12-2016710-A-T.
Other names: short protein forms M226K.
Identifiers: ClinVar variation 1425156 (VCV001425156.6), dbSNP rs201011107, ClinGen allele CA383363954.